The following is an entry in ClinVar:

NM_025207.5(FLAD1):c.1589G>A (p.Arg530His)

Gene: FLAD1 (flavin adenine dinucleotide synthetase 1; plus strand). Cytogenetic location: 1q21.3.
Variant type: single nucleotide variant.
Coding change: c.1589G>A on transcript NM_025207.5 (MANE Select); coding-DNA position 1589, G replaced by A.
Protein change: p.Arg530His; replaces arginine 530 with histidine.
Molecular consequence: missense variant.
Genome position (GRCh38, 1-based): chr1:154,992,747, G>A. VCF-style: chr1-154992747-G-A. GRCh37 (hg19) VCF-style: chr1-154965223-G-A.
Other names: p.Arg530His; c.1589G>A (NM_025207.4); c.1298G>A, p.Arg433His (NM_001184891.2, NM_201398.3); short protein forms R433H, R530H.
Identifiers: ClinVar variation 1419155 (VCV001419155.9), dbSNP rs146007674, ClinGen allele CA1134630.
Genomic context (GRCh38, chr1:154,992,747, plus strand): 5'-ACTATTCTATTACTCTGACCTCCCAGGACTGGACCTACAGAGACATCTGGGATTTTCTGC[G>A]TCAGCTGTTTGTCCCATACTGTATCCTGTATGACCGAGGGTAAGGGTATTAGGGGAAGGG-3'
Protein context (NP_079483.3, residues 520-540): WTYRDIWDFL[Arg530His]QLFVPYCILY

ClinVar aggregate classification (germline): Uncertain significance. Review status: criteria provided, multiple submitters, no conflicts (2 of 4 stars). 5 submissions from 5 submitters: Uncertain significance (5). Last evaluated 2026-04-29.

Allele frequency attached by ClinVar (database versions not stated): ExAC 0.00012; ESP Exome Variant Server 0.00015; gnomAD exomes 0.00017 and 0.00028; gnomAD 0.00024 and 0.00025; TOPMed 0.00035.
gnomAD v4.1: 435 of 1,614,014 alleles (0.027%); highest among the groups gnomAD compares: Middle Eastern, 0.033%; 1 homozygote.

Submissions (5):

GeneDx
Classification: Uncertain significance. Last evaluated: 2026-04-29. Review status: criteria provided, single submitter. Criteria: GeneDx Variant Classification Process June 2021. Collection method: clinical testing. Allele origin: germline.
Comment: In silico analysis supports that this missense variant has a deleterious effect on protein structure/function; Has not been previously published as pathogenic or benign to our knowledge

Mayo Clinic Laboratories, Mayo Clinic
Classification: Uncertain significance. Last evaluated: 2025-10-03. Review status: criteria provided, single submitter. Criteria: ACMG Guidelines, 2015. Collection method: clinical testing. Allele origin: germline. Observed: 1 variant allele.
Comment: PM1, PM2_supporting, PM5

Blueprint Genetics
Classification: Uncertain significance. Last evaluated: 2024-11-17. Review status: criteria provided, single submitter. Criteria: ACMG Guidelines, 2015. Collection method: clinical testing. Allele origin: germline.

Women's Health and Genetics/Laboratory Corporation of America, LabCorp
Classification: Uncertain significance. Last evaluated: 2024-05-02. Review status: criteria provided, single submitter. Criteria: LabCorp Variant Classification Summary - May 2015. Collection method: clinical testing. Allele origin: germline.
Comment: Variant summary: FLAD1 c.1589G>A (p.Arg530His) results in a non-conservative amino acid change located in the Phosphoadenosine phosphosulphate reductase domain (IPR002500) of the encoded protein sequence. Four of five in-silico tools predict a damaging effect of the variant on protein function. The variant allele was found at a frequency of 0.00017 in 251490 control chromosomes. To our knowledge, no occurrence of c.1589G>A in individuals affected with Myopathy With Abnormal Lipid Metabolism and no experimental evidence demonstrating its impact on protein function have been reported. ClinVar contains an entry for this variant (Variation ID: 1419155). Based on the evidence outlined above, the variant was classified as uncertain significance.

Labcorp Genetics (formerly Invitae), Labcorp
Classification: Uncertain significance. Last evaluated: 2022-11-01. Review status: criteria provided, single submitter. Criteria: Invitae Variant Classification Sherloc (09022015). Collection method: clinical testing. Allele origin: germline.
Comment: This sequence change replaces arginine, which is basic and polar, with histidine, which is basic and polar, at codon 530 of the FLAD1 protein (p.Arg530His). This variant is present in population databases (rs146007674, gnomAD 0.03%). This variant has not been reported in the literature in individuals affected with FLAD1-related conditions. ClinVar contains an entry for this variant (Variation ID: 1419155). Algorithms developed to predict the effect of missense changes on protein structure and function are either unavailable or do not agree on the potential impact of this missense change (SIFT: "Tolerated"; PolyPhen-2: "Probably Damaging"; Align-GVGD: "Class C0"). This variant disrupts the p.Arg530 amino acid residue in FLAD1. Other variant(s) that disrupt this residue have been determined to be pathogenic (PMID: 27259049, 31392824). This suggests that this residue is clinically significant, and that variants that disrupt this residue are likely to be disease-causing. In summary, the available evidence is currently insufficient to determine the role of this variant in disease. Therefore, it has been classified as a Variant of Uncertain Significance.

Literature cited by the submitters: PubMed 27259049 (cited by Labcorp Genetics (formerly Invitae), Labcorp); PubMed 31392824 (cited by Labcorp Genetics (formerly Invitae), Labcorp).